The following is an entry in ClinVar:

NM_007294.4(BRCA1):c.3877G>C (p.Ala1293Pro)

Genes: BRCA1 (BRCA1 DNA repair associated; minus strand), LOC126862571 (BRD4-independent group 4 enhancer GRCh37_chr17:41243136-41244335; plus strand). Cytogenetic location: 17q21.31.
Variant type: single nucleotide variant.
Coding change: c.3877G>C on transcript NM_007294.4 (MANE Select); coding-DNA position 3877, G replaced by C.
Protein change: p.Ala1293Pro; replaces alanine 1293 with proline.
Molecular consequence: missense variant. On other transcripts: intron variant (135).
Genome position (GRCh38, 1-based): chr17:43,091,654, C>G on the plus strand (G>C on the coding strand, the complement: BRCA1 is on the minus strand). VCF-style: chr17-43091654-C-G. GRCh37 (hg19) VCF-style: chr17-41243671-C-G.
Other names: c.3664G>C, p.Ala1222Pro (NM_001407571.1, NM_001407853.1, NM_001407894.1 and 9 more transcripts); c.3877G>C, p.Ala1293Pro (NM_001407581.1, NM_001407582.1, NM_001407583.1 and 30 more transcripts); c.3874G>C, p.Ala1292Pro (NM_001407587.1, NM_001407590.1, NM_001407591.1 and 22 more transcripts); c.3868G>C, p.Ala1290Pro (NM_001407646.1, NM_001407647.1); c.3754G>C, p.Ala1252Pro (NM_001407648.1, NM_001407664.1, NM_001407665.1 and 19 more transcripts); c.3751G>C, p.Ala1251Pro (NM_001407649.1, NM_001407670.1, NM_001407671.1 and 11 more transcripts); c.3799G>C, p.Ala1267Pro (NM_001407653.1, NM_001407654.1, NM_001407655.1 and 4 more transcripts); c.3796G>C, p.Ala1266Pro (NM_001407659.1, NM_001407660.1, NM_001407661.1 and 1 more transcripts); and 41 more; short protein forms A1293P, A1246P, A1165P, A1252P, A425P, A1125P, A1204P, A1205P.
Identifiers: ClinVar variation 37555 (VCV000037555.29), dbSNP rs397507223, ClinGen allele CA002499.

ClinVar aggregate classification (germline): Conflicting classifications of pathogenicity. Review status: criteria provided, conflicting classifications (1 of 4 stars). 9 submissions from 9 submitters: Uncertain significance (6); Likely benign (2). 1 of the submissions does not count toward it. Last evaluated 2025-06-13.

Conditions:
Breast-ovarian cancer, familial, susceptibility to, 1 (BROVCA1). Also called: OVARIAN CANCER, SUSCEPTIBILITY TO; BRCA1 Hereditary Breast and Ovarian Cancer. Identifiers: Orphanet 145, MedGen C2676676, MONDO:0011450, OMIM 604370. Disease mechanism: loss of function.
Pancreatic cancer, susceptibility to, 4. Identifiers: Orphanet 1333, MedGen C3280442, MONDO:0013685, OMIM 614320.
Fanconi anemia, complementation group S (FANCS). Identifiers: MedGen C4554406, MONDO:0054748, OMIM 617883.
BRCA1-related cancer predisposition. Identifiers: MedGen CN377757, MONDO:0700268.
Hereditary cancer-predisposing syndrome. Also called: Tumor predisposition; Neoplastic Syndromes, Hereditary; Hereditary Cancer Syndrome; Hereditary neoplastic syndrome. Identifiers: Orphanet 140162, MedGen C0027672, MeSH D009386, MONDO:0015356.
Hereditary breast ovarian cancer syndrome. Also called: Hereditary breast and ovarian cancer syndrome (HBOC); Hereditary breast and ovarian cancer syndrome; Hereditary breast and ovarian cancer; Hereditary breast and/or ovarian cancer syndrome; Breast and ovarian cancer; BRCA1- and BRCA2-Associated Hereditary Breast and Ovarian Cancer. Identifiers: Orphanet 145, MedGen C0677776, MeSH D061325, MONDO:0003582. Disease mechanism: loss of function.

Submissions (9):

Ambry Genetics
Classification: Uncertain significance for Hereditary cancer-predisposing syndrome. Last evaluated: 2025-06-13. Review status: criteria provided, single submitter. Criteria: Ambry Variant Classification Scheme 2023. Collection method: clinical testing. Allele origin: germline.
Comment: The p.A1293P variant (also known as c.3877G>C), located in coding exon 9 of the BRCA1 gene, results from a G to C substitution at nucleotide position 3877. The alanine at codon 1293 is replaced by proline, an amino acid with highly similar properties. This amino acid position is poorly conserved in available vertebrate species. In addition, the in silico prediction for this alteration is inconclusive. Since supporting evidence is limited at this time, the clinical significance of this alteration remains unclear.

Labcorp Genetics (formerly Invitae), Labcorp
Classification: Uncertain significance for Hereditary breast ovarian cancer syndrome. Last evaluated: 2025-02-02. Review status: criteria provided, single submitter. Criteria: Invitae Variant Classification Sherloc (09022015). Collection method: clinical testing. Allele origin: germline.
Comment: This sequence change replaces alanine, which is neutral and non-polar, with proline, which is neutral and non-polar, at codon 1293 of the BRCA1 protein (p.Ala1293Pro). This variant is not present in population databases (gnomAD no frequency). This variant has not been reported in the literature in individuals affected with BRCA1-related conditions. ClinVar contains an entry for this variant (Variation ID: 37555). Invitae Evidence Modeling of protein sequence and biophysical properties (such as structural, functional, and spatial information, amino acid conservation, physicochemical variation, residue mobility, and thermodynamic stability) indicates that this missense variant is not expected to disrupt BRCA1 protein function with a negative predictive value of 80%. In summary, the available evidence is currently insufficient to determine the role of this variant in disease. Therefore, it has been classified as a Variant of Uncertain Significance.

Quest Diagnostics Nichols Institute San Juan Capistrano
Classification: Uncertain significance. Last evaluated: 2024-12-28. Review status: criteria provided, single submitter. Criteria: Quest Diagnostics criteria. Collection method: clinical testing. Allele origin: unknown.
Comment: The BRCA1 c.3877G>C (p.Ala1293Pro) variant has been reported in the published literature to be located in a region of the BRCA1 gene that is tolerant to missense sequence changes (PMID: 31911673 (2020)). It has also been identified as a somatic variant in an individual with nasopharyngeal carcinoma (PMID: 28857155 (2018)). This variant has not been reported in large, multi-ethnic general populations (Genome Aggregation Database). Analysis of this variant using bioinformatics tools for the prediction of the effect of amino acid changes on protein structure and function yielded predictions that this variant is benign. Based on the available information, we are unable to determine the clinical significance of this variant.

Myriad Genetics, Inc.
Classification: Likely benign for Breast-ovarian cancer, familial, susceptibility to, 1. Last evaluated: 2024-11-12. Review status: criteria provided, single submitter. Criteria: Myriad Autosomal Dominant, Autosomal Recessive and X-Linked Classification Criteria (2023). Collection method: clinical testing. Allele origin: unknown.
Comment: This variant is considered likely benign. This variant is strongly associated with less severe personal and family histories of cancer, typical for individuals without pathogenic variants in this gene [PMID: 25085752].

All of Us Research Program, National Institutes of Health
Classification: Uncertain significance for BRCA1-related cancer predisposition. Last evaluated: 2024-07-29. Review status: criteria provided, single submitter. Criteria: ACMG Guidelines, 2015. Collection method: clinical testing. Allele origin: germline. Inheritance: Autosomal dominant inheritance. Observed: 2 variant alleles, 2 heterozygotes.
Comment: This missense variant replaces alanine with proline at codon 1293 of the BRCA1 protein. Computational prediction is inconclusive regarding the impact of this variant on protein structure and function (internally defined REVEL score threshold 0.5 < inconclusive < 0.7, PMID: 27666373). Splice site prediction tools suggest that this variant may not impact RNA splicing. To our knowledge, functional studies have not been reported for this variant. This variant has been observed in an individual affected with breast and/or ovarian cancer (doi:10.1515/tjb-2019-0424), and in an individual affected with nasopharyngeal carcinoma (PMID: 28857155). This variant has not been identified in the general population by the Genome Aggregation Database (gnomAD). The available evidence is insufficient to determine the role of this variant in disease conclusively. Therefore, this variant is classified as a Variant of Uncertain Significance.

This study involves interpretation of variants in research participants for the purpose of population health screening. Participant phenotype was not available at the time of variant classification. Additional details can be found in publication PMID: 35346344, PMCID: PMC8962531

Color Diagnostics, LLC DBA Color Health
Classification: Uncertain significance for Hereditary cancer-predisposing syndrome. Last evaluated: 2024-07-17. Review status: criteria provided, single submitter. Criteria: ACMG Guidelines, 2015. Collection method: clinical testing. Allele origin: germline.
Comment: This missense variant replaces alanine with proline at codon 1293 of the BRCA1 protein. Computational prediction is inconclusive regarding the impact of this variant on protein structure and function. To our knowledge, functional studies have not been reported for this variant. This variant has been observed in an individual affected with breast and/or ovarian cancer (doi:10.1515/tjb-2019-0424) and in an individual affected with nasopharyngeal carcinoma (PMID: 28857155). This variant has not been identified in the general population by the Genome Aggregation Database (gnomAD). The available evidence is insufficient to determine the role of this variant in disease conclusively. Therefore, this variant is classified as a Variant of Uncertain Significance.

Fulgent Genetics
Classification: Uncertain significance for Breast-ovarian cancer, familial, susceptibility to, 1; Pancreatic cancer, susceptibility to, 4; Fanconi anemia, complementation group S. Last evaluated: 2024-05-30. Review status: criteria provided, single submitter. Criteria: ACMG Guidelines, 2015. Collection method: clinical testing. Allele origin: germline.

University of Washington Department of Laboratory Medicine, University of Washington
Classification: Likely benign for Hereditary cancer-predisposing syndrome. Last evaluated: 2023-03-23. Review status: criteria provided, single submitter. Criteria: Dines et al. (Genet Med. 2020). Collection method: curation. Allele origin: germline.
Comment: Missense variant in a coldspot region where missense variants are very unlikely to be pathogenic (PMID:31911673).

BRCA1 coldspot (exon 11 using historical exon numbering). Reclassification based on statistical prior probability

Sharing Clinical Reports Project (SCRP)
Classification: Uncertain significance for Breast-ovarian cancer, familial 1. Last evaluated: 2006-11-07. Review status: no assertion criteria provided. Collection method: clinical testing. Allele origin: germline. Not counted in ClinVar's aggregate classification.

Literature cited by the submitters: PubMed 31911673 (cited by Quest Diagnostics Nichols Institute San Juan Capistrano); PubMed 28857155 (cited by 3 submitters); PubMed 31853058 (cited by Quest Diagnostics Nichols Institute San Juan Capistrano); PubMed 25085752 (cited by Myriad Genetics, Inc.).